The following is an entry in ClinVar:

ClinVar aggregate classification (germline): Uncertain significance. Review status: criteria provided, multiple submitters, no conflicts (2 of 4 stars). 2 submissions from 2 submitters: Uncertain significance (2). Last evaluated 2024-10-07.

gnomAD v4.1: 10 of 1,612,554 alleles (0.00062%); highest among the groups gnomAD compares: Admixed American, 0.01%; no homozygotes.

Submissions (2):

Labcorp Genetics (formerly Invitae), Labcorp
Classification: Uncertain significance. Last evaluated: 2024-10-07. Review status: criteria provided, single submitter. Criteria: Invitae Variant Classification Sherloc (09022015). Collection method: clinical testing. Allele origin: germline.
Comment: This sequence change replaces glutamine, which is neutral and polar, with proline, which is neutral and non-polar, at codon 220 of the RGS9 protein (p.Gln220Pro). This variant is present in population databases (rs762618673, gnomAD 0.01%). This variant has not been reported in the literature in individuals affected with RGS9-related conditions. ClinVar contains an entry for this variant (Variation ID: 953143). Invitae Evidence Modeling of protein sequence and biophysical properties (such as structural, functional, and spatial information, amino acid conservation, physicochemical variation, residue mobility, and thermodynamic stability) indicates that this missense variant is not expected to disrupt RGS9 protein function with a negative predictive value of 80%. In summary, the available evidence is currently insufficient to determine the role of this variant in disease. Therefore, it has been classified as a Variant of Uncertain Significance.

Blueprint Genetics
Classification: Uncertain significance. Last evaluated: 2024-09-23. Review status: criteria provided, single submitter. Criteria: ACMG Guidelines, 2015. Collection method: clinical testing. Allele origin: germline.

NM_003835.4(RGS9):c.659A>C (p.Gln220Pro)

Gene: RGS9 (regulator of G protein signaling 9; plus strand). Cytogenetic location: 17q24.1.
Variant type: single nucleotide variant.
Coding change: c.659A>C on transcript NM_003835.4 (MANE Select); coding-DNA position 659, A replaced by C.
Protein change: p.Gln220Pro; replaces glutamine 220 with proline.
Molecular consequence: missense variant.
Genome position (GRCh38, 1-based): chr17:65,189,290, A>C. VCF-style: chr17-65189290-A-C. GRCh37 (hg19) VCF-style: chr17-63185408-A-C.
Other names: c.650A>C, p.Gln217Pro (NM_001081955.3, NM_001165933.2); short protein forms Q217P, Q220P.
Identifiers: ClinVar variation 953143 (VCV000953143.10), dbSNP rs762618673, ClinGen allele CA8717775.